The following is an entry in ClinVar:

ClinVar aggregate classification (germline): Uncertain significance (1 of 4 stars; one submission).

Conditions:
Charcot-Marie-Tooth disease type 2. Also called: Charcot-Marie-Tooth type 2. Identifiers: Orphanet 64746, MedGen C0270914, MONDO:0018993.

Submission:

Labcorp Genetics (formerly Invitae), Labcorp
Classification: Uncertain significance for Charcot-Marie-Tooth disease type 2. Last evaluated: 2024-05-15. Review status: criteria provided, single submitter. Criteria: Invitae Variant Classification Sherloc (09022015). Collection method: clinical testing. Allele origin: germline.
Comment: This sequence change replaces serine, which is neutral and polar, with asparagine, which is neutral and polar, at codon 1557 of the KIF1B protein (p.Ser1557Asn). This variant is not present in population databases (gnomAD no frequency). This variant has not been reported in the literature in individuals affected with KIF1B-related conditions. An algorithm developed to predict the effect of missense changes on protein structure and function (PolyPhen-2) suggests that this variant is likely to be disruptive. In summary, the available evidence is currently insufficient to determine the role of this variant in disease. Therefore, it has been classified as a Variant of Uncertain Significance.

NM_001365951.3(KIF1B):c.4808G>A (p.Ser1603Asn)

Gene: KIF1B (kinesin family member 1B; plus strand). Cytogenetic location: 1p36.22.
Variant type: single nucleotide variant.
Coding change: c.4808G>A on transcript NM_001365951.3 (MANE Select); coding-DNA position 4808, G replaced by A.
Protein change: p.Ser1603Asn; replaces serine 1603 with asparagine.
Molecular consequence: missense variant.
Genome position (GRCh38, 1-based): chr1:10,368,522, G>A. VCF-style: chr1-10368522-G-A. GRCh37 (hg19) VCF-style: chr1-10428580-G-A.
Other names: c.4808G>A, p.Ser1603Asn (NM_001365952.1); c.4670G>A, p.Ser1557Asn (NM_015074.3); short protein forms S1603N, S1557N.
Identifiers: ClinVar variation 2780807 (VCV002780807.3), dbSNP rs2521934885, ClinGen allele CA338324542.